The following is an entry in ClinVar:

ClinVar aggregate classification (germline): Likely pathogenic (1 of 4 stars; one submission).

Submission:

GeneDx
Classification: Likely pathogenic. Last evaluated: 2013-01-24. Review status: criteria provided, single submitter. Criteria: GeneDx Variant Classification (06012015). Collection method: clinical testing. Allele origin: germline. Affected: yes.
Comment: The G165V missense change in the CDH23 gene has not been reported as a pathogenic variant or as a benign polymorphism, to our knowledge. The G165V amino acid substitution is conservative as both Glycine and Valine are neutral and non-polar residues. The residue at which this substitution occurs is located within the highly conserved cathedrin domain 2 of the Cadherin 23 protein. Therefore, the G165V missense change is a candidate for a pathogenic variant, although the possibility that it is a being variant cannot be completely excluded.

NM_022124.6(CDH23):c.494G>T (p.Gly165Val)

Gene: CDH23 (cadherin related 23; plus strand). Cytogenetic location: 10q22.1.
Variant type: single nucleotide variant.
Coding change: c.494G>T on transcript NM_022124.6 (MANE Select); coding-DNA position 494, G replaced by T.
Protein change: p.Gly165Val; replaces glycine 165 with valine.
Molecular consequence: missense variant.
Genome position (GRCh38, 1-based): chr10:71,566,806, G>T. VCF-style: chr10-71566806-G-T. GRCh37 (hg19) VCF-style: chr10-73326563-G-T.
Other names: c.494G>T, p.Gly165Val (NM_001171930.2, NM_001171931.2, NM_001171932.2 and 1 more transcripts); short protein forms G165V.
Identifiers: ClinVar variation 418115 (VCV000418115.2), dbSNP rs776354402, ClinGen allele CA16618978.